The following is an entry in ClinVar:

ClinVar aggregate classification (germline): Conflicting classifications of pathogenicity. Review status: criteria provided, conflicting classifications (1 of 4 stars). 5 submissions from 5 submitters: Uncertain significance (3); Likely benign (1). 1 of the submissions does not count toward it. Last evaluated 2026-01-14.

Conditions:
DNA ligase IV deficiency. Identifiers: Orphanet 99812, MedGen C1847827, MONDO:0011686, OMIM 606593.
LIG4-related disorder. Also called: LIG4-related condition; LIG4-related disorders. Identifiers: MedGen CN239380.
Multiple myeloma (MM). Also called: Plasma cell myeloma; Multiple myeloma, somatic. Identifiers: Orphanet 29073, Orphanet 85443, MedGen C0026764, MeSH D009101, MONDO:0009693, OMIM 254500, HP:0006775.

Allele frequency attached by ClinVar (database versions not stated): gnomAD exomes 0.00004 and 0.00012; ExAC 0.00015; ESP Exome Variant Server 0.00031; gnomAD 0.00044 and 0.00048; TOPMed 0.00046.
gnomAD v4.1: 121 of 1,613,044 alleles (0.0075%); highest among the groups gnomAD compares: African/African-American, 0.14%; no homozygotes.

Submissions (5):

Labcorp Genetics (formerly Invitae), Labcorp
Classification: Likely benign for DNA ligase IV deficiency. Last evaluated: 2026-01-14. Review status: criteria provided, single submitter. Criteria: Invitae Variant Classification Sherloc (09022015). Collection method: clinical testing. Allele origin: germline.

PreventionGenetics, part of Exact Sciences
Classification: Uncertain significance for LIG4-related condition. Last evaluated: 2025-08-11. Review status: criteria provided, single submitter. Criteria: ACMG Guidelines, 2015. Collection method: clinical testing. Allele origin: germline.
Comment: The LIG4 c.691C>T variant is predicted to result in the amino acid substitution p.Pro231Ser. To our knowledge, this variant has not been reported in the literature. This variant is reported in 0.15% of alleles in individuals of African descent in gnomAD. Although we suspect that this variant may be benign, at this time, the clinical significance of this variant is uncertain due to the absence of conclusive functional and genetic evidence.

Fulgent Genetics
Classification: Uncertain significance for Multiple myeloma; DNA ligase IV deficiency. Last evaluated: 2022-04-05. Review status: criteria provided, single submitter. Criteria: ACMG Guidelines, 2015. Collection method: clinical testing. Allele origin: unknown.

Blueprint Genetics
Classification: Uncertain significance. Last evaluated: 2021-12-10. Review status: criteria provided, single submitter. Criteria: ACMG Guidelines, 2015. Collection method: clinical testing. Allele origin: germline.

Genetic Services Laboratory, University of Chicago
Classification: Uncertain significance. Last evaluated: 2022-06-06. Review status: no assertion criteria provided. Collection method: clinical testing. Allele origin: germline. Affected: no. Not counted in ClinVar's aggregate classification.
Comment: DNA sequence analysis of the LIG4 gene demonstrated a sequence change, c.691C>T, in exon 2 that results in an amino acid change, p.Pro231Ser. This sequence change does not appear to have been previously described in individuals with LIG4-related disorders. This sequence change has been described in the gnomAD database with a frequency of 0.1485% in the African/African American subpopulation (dbSNP rs3093765). The p.Pro231Ser change affects a highly conserved amino acid residue located in a domain of the LIG4 protein that is known to be functional. In-silico pathogenicity prediction tools (SIFT, PolyPhen2, Align GVGD, REVEL) provide contradictory results for the p.Pro231Ser substitution. Due to insufficient evidences and the lack of functional studies, the clinical significance of the p.Pro231Ser change remains unknown at this time.

NM_206937.2(LIG4):c.691C>T (p.Pro231Ser)

Gene: LIG4 (DNA ligase 4; minus strand). Cytogenetic location: 13q33.3.
Variant type: single nucleotide variant.
Coding change: c.691C>T on transcript NM_206937.2 (MANE Select); coding-DNA position 691, C replaced by T.
Protein change: p.Pro231Ser; replaces proline 231 with serine.
Molecular consequence: missense variant.
Genome position (GRCh38, 1-based): chr13:108,210,578, G>A on the plus strand (C>T on the coding strand, the complement: LIG4 is on the minus strand). VCF-style: chr13-108210578-G-A. GRCh37 (hg19) VCF-style: chr13-108862926-G-A.
Other names: c.691C>T, p.Pro231Ser (NM_001098268.2, NM_001352598.2, NM_001352599.2 and 6 more transcripts); c.490C>T, p.Pro164Ser (NM_001330595.2); c.727C>T, p.Pro243Ser (NM_001352604.2); short protein forms P243S, P164S, P231S.
Identifiers: ClinVar variation 834697 (VCV000834697.14), dbSNP rs3093765, ClinGen allele CA7043809.